The following is an entry in ClinVar:

NM_001631.5(ALPI):c.620C>T (p.Thr207Ile)

Gene: ALPI (alkaline phosphatase, intestinal; plus strand). Cytogenetic location: 2q37.1.
Variant type: single nucleotide variant.
Coding change: c.620C>T on transcript NM_001631.5 (MANE Select); coding-DNA position 620, C replaced by T.
Protein change: p.Thr207Ile; replaces threonine 207 with isoleucine.
Molecular consequence: missense variant.
Genome position (GRCh38, 1-based): chr2:232,457,294, C>T. VCF-style: chr2-232457294-C-T. GRCh37 (hg19) VCF-style: chr2-233322004-C-T.
Other names: short protein forms T207I.
Identifiers: ClinVar variation 3037335 (VCV003037335.2), dbSNP rs115079894, ClinGen allele CA2166432.
Genomic context (GRCh38, chr2:232,457,294, plus strand): 5'-GGTACTCAGATGCTGACATGCCTGCCTCAGCCCGCCAGGAGGGGTGCCAGGACATCGCCA[C>T]TCAGCTCATCTCCAACATGGACATTGACGTGCGACCCCCGGGCCAAGGGCTGGGGCTGGG-3'
Protein context (NP_001622.2, residues 197-217): ARQEGCQDIA[Thr207Ile]QLISNMDIDV

ClinVar aggregate classification (germline): Benign (0 of 4 stars; one submission).

Conditions:
ALPI-related disorder. Also called: ALPI-related condition.

Allele frequency attached by ClinVar (database versions not stated): gnomAD exomes 0.00091; ExAC 0.00313; gnomAD 0.00908; TOPMed 0.01033; ESP Exome Variant Server 0.01130; 1000 Genomes Project 30x 0.01483; 1000 Genomes Project 0.01498.
gnomAD v4.1: 2,791 of 1,611,984 alleles (0.17%); highest among the groups gnomAD compares: African/African-American, 3.2%; 33 homozygotes.

Submission:

PreventionGenetics, part of Exact Sciences
Classification: Benign for ALPI-related condition. Last evaluated: 2019-05-23. Review status: no assertion criteria provided. Collection method: clinical testing. Allele origin: germline.
Comment: This variant is classified as benign based on ACMG/AMP sequence variant interpretation guidelines (Richards et al. 2015 PMID: 25741868, with internal and published modifications).